The following is an entry in ClinVar:

NM_003579.4(RAD54L):c.1950G>C (p.Gln650His)

Genes: LRRC41 (leucine rich repeat containing 41; minus strand), RAD54L (RAD54 like; plus strand). Cytogenetic location: 1p34.1.
Variant type: single nucleotide variant.
Coding change: c.1950G>C on transcript NM_003579.4 (MANE Select); coding-DNA position 1950, G replaced by C.
Protein change: p.Gln650His; replaces glutamine 650 with histidine.
Molecular consequence: missense variant. On other transcripts: 3 prime UTR variant (1).
Genome position (GRCh38, 1-based): chr1:46,277,897, G>C. VCF-style: chr1-46277897-G-C. GRCh37 (hg19) VCF-style: chr1-46743569-G-C.
Other names: c.*968C>G (NM_006369.5); c.1950G>C, p.Gln650His (NM_001142548.2); c.1410G>C, p.Gln470His (NM_001370766.1); short protein forms Q470H, Q650H.
Identifiers: ClinVar variation 2447788 (VCV002447788.2), dbSNP rs933708903, ClinGen allele CA340189753.
Genomic context (GRCh38, chr1:46,277,897, plus strand): 5'-GATCTTCCAGCGTCAGAGCCACAAGAAGGCACTGAGCAGCTGTGTGGTGGATGAGGAGCA[G>C]GATGTAGAGCGCCACTTCTCTCTGGGCGAGTTGAAGGAGCTGTTTATCCTGGATGAAGCT-3'
Protein context (NP_003570.2, residues 640-660): ALSSCVVDEE[Gln650His]DVERHFSLGE

ClinVar aggregate classification (germline): Uncertain significance (1 of 4 stars; one submission).

Submission:

Ambry Genetics
Classification: Uncertain significance. Last evaluated: 2022-11-19. Review status: criteria provided, single submitter. Criteria: Ambry Variant Classification Scheme 2023. Collection method: clinical testing. Allele origin: germline.
Comment: The p.Q650H variant (also known as c.1950G>C), located in coding exon 17 of the RAD54L gene, results from a G to C substitution at nucleotide position 1950. The glutamine at codon 650 is replaced by histidine, an amino acid with highly similar properties. This amino acid position is conserved. In addition, this alteration is predicted to be tolerated by in silico analysis. Since supporting evidence is limited at this time, the clinical significance of this alteration remains unclear.